The following is an entry in ClinVar:

NM_007315.4(STAT1):c.1787C>T (p.Pro596Leu)

Gene: STAT1 (signal transducer and activator of transcription 1; minus strand). Cytogenetic location: 2q32.2.
Variant type: single nucleotide variant.
Coding change: c.1787C>T on transcript NM_007315.4 (MANE Select); coding-DNA position 1787, C replaced by T.
Protein change: p.Pro596Leu; replaces proline 596 with leucine.
Molecular consequence: missense variant.
Genome position (GRCh38, 1-based): chr2:190,978,942, G>A on the plus strand (C>T on the coding strand, the complement: STAT1 is on the minus strand). VCF-style: chr2-190978942-G-A. GRCh37 (hg19) VCF-style: chr2-191843668-G-A.
Other names: c.1727C>T, p.Pro576Leu (NM_001384880.1); c.1793C>T, p.Pro598Leu (NM_001384881.1, NM_001384884.1); c.1781C>T, p.Pro594Leu (NM_001384882.1); c.1688C>T, p.Pro563Leu (NM_001384883.1); c.1628C>T, p.Pro543Leu (NM_001384885.1); c.1787C>T, p.Pro596Leu (NM_001384886.1, NM_001384889.1, NM_139266.3); c.1694C>T, p.Pro565Leu (NM_001384887.1); c.1757C>T, p.Pro586Leu (NM_001384888.1); and 2 more; short protein forms P563L, P565L, P596L, P598L, P586L, P594L, P543L, P566L.
Identifiers: ClinVar variation 1965701 (VCV001965701.5), dbSNP rs1398307167, ClinGen allele CA349913642.

ClinVar aggregate classification (germline): Uncertain significance (1 of 4 stars; one submission).

Conditions:
Autoimmune enteropathy and endocrinopathy - susceptibility to chronic infections syndrome. Also called: Immunodeficiency 31C; Immunodeficiency 31C, autosomal dominant. Identifiers: Orphanet 391487, MedGen C3279990, MONDO:0013599, OMIM 614162.
Mendelian susceptibility to mycobacterial diseases due to partial STAT1 deficiency. Also called: IMMUNODEFICIENCY 31A, MYCOBACTERIOSIS, AUTOSOMAL DOMINANT; STAT1 DEFICIENCY, AUTOSOMAL DOMINANT; Immunodeficiency 31a. Identifiers: Orphanet 319595, MedGen C4013950, MONDO:0013956, OMIM 614892.
Immunodeficiency 31B. Also called: IMMUNODEFICIENCY 31B, MYCOBACTERIAL AND VIRAL INFECTIONS, AUTOSOMAL RECESSIVE; STAT1 DEFICIENCY, AUTOSOMAL RECESSIVE. Identifiers: Orphanet 391311, MedGen C3151088, MONDO:0013427, OMIM 613796.

Submission:

Labcorp Genetics (formerly Invitae), Labcorp
Classification: Uncertain significance for Mendelian susceptibility to mycobacterial diseases due to partial STAT1 deficiency; Immunodeficiency 31B; Autoimmune enteropathy and endocrinopathy - susceptibility to chronic infections syndrome. Last evaluated: 2024-10-26. Review status: criteria provided, single submitter. Criteria: Invitae Variant Classification Sherloc (09022015). Collection method: clinical testing. Allele origin: germline.
Comment: This sequence change replaces proline, which is neutral and non-polar, with leucine, which is neutral and non-polar, at codon 596 of the STAT1 protein (p.Pro596Leu). This variant is present in population databases (no rsID available, gnomAD 0.0009%). This variant has not been reported in the literature in individuals affected with STAT1-related conditions. ClinVar contains an entry for this variant (Variation ID: 1965701). An algorithm developed to predict the effect of missense changes on protein structure and function (PolyPhen-2) suggests that this variant is likely to be disruptive. In summary, the available evidence is currently insufficient to determine the role of this variant in disease. Therefore, it has been classified as a Variant of Uncertain Significance.